The following is an entry in ClinVar:

NM_004984.4(KIF5A):c.382G>A (p.Glu128Lys)

Gene: KIF5A (kinesin family member 5A; plus strand). Cytogenetic location: 12q13.3.
Variant type: single nucleotide variant.
Coding change: c.382G>A on transcript NM_004984.4 (MANE Select); coding-DNA position 382, G replaced by A.
Protein change: p.Glu128Lys; replaces glutamic acid 128 with lysine.
Molecular consequence: missense variant. On other transcripts: intron variant (1).
Genome position (GRCh38, 1-based): chr12:57,564,198, G>A. VCF-style: chr12-57564198-G-A. GRCh37 (hg19) VCF-style: chr12-57957981-G-A.
Other names: c.130-262G>A (NM_001354705.2); short protein forms E128K.
Identifiers: ClinVar variation 1357857 (VCV001357857.8), dbSNP rs2140159178, ClinGen allele CA385494877.

ClinVar aggregate classification (germline): Uncertain significance (1 of 4 stars; one submission).

Conditions:
Spastic paraplegia. Identifiers: MedGen C0037772, HP:0001258.

Submission:

Labcorp Genetics (formerly Invitae), Labcorp
Classification: Uncertain significance for Spastic paraplegia. Last evaluated: 2021-05-31. Review status: criteria provided, single submitter. Criteria: Invitae Variant Classification Sherloc (09022015). Collection method: clinical testing. Allele origin: germline.
Comment: In summary, the available evidence is currently insufficient to determine the role of this variant in disease. Therefore, it has been classified as a Variant of Uncertain Significance. Algorithms developed to predict the effect of missense changes on protein structure and function (SIFT, PolyPhen-2, Align-GVGD) all suggest that this variant is likely to be disruptive, but these predictions have not been confirmed by published functional studies and their clinical significance is uncertain. This variant has not been reported in the literature in individuals with KIF5A-related conditions. This variant is not present in population databases (ExAC no frequency). This sequence change replaces glutamic acid with lysine at codon 128 of the KIF5A protein (p.Glu128Lys). The glutamic acid residue is highly conserved and there is a small physicochemical difference between glutamic acid and lysine.